The following is an entry in ClinVar:

NM_022336.4(EDAR):c.463G>A (p.Ala155Thr)

Genes: EDAR (ectodysplasin A receptor; minus strand), RANBP2 (RAN binding protein 2; plus strand). Cytogenetic location: 2q13.
Variant type: single nucleotide variant.
Coding change: c.463G>A on transcript NM_022336.4 (MANE Select); coding-DNA position 463, G replaced by A.
Protein change: p.Ala155Thr; replaces alanine 155 with threonine.
Molecular consequence: missense variant.
Genome position (GRCh38, 1-based): chr2:108,912,744, C>T on the plus strand (G>A on the coding strand, the complement: EDAR is on the minus strand). VCF-style: chr2-108912744-C-T. GRCh37 (hg19) VCF-style: chr2-109529200-C-T.
Other names: short protein forms A155T.
Identifiers: ClinVar variation 265114 (VCV000265114.16), dbSNP rs370972367, ClinGen allele CA1825062.

ClinVar aggregate classification (germline): Conflicting classifications of pathogenicity. Review status: criteria provided, conflicting classifications (1 of 4 stars). 4 submissions from 4 submitters: Uncertain significance (2); Likely benign (2). Last evaluated 2024-03-07.

Conditions:
Ectodermal dysplasia 10A, hypohidrotic/hair/nail type, autosomal dominant (ECTD10A). Also called: Ectodermal Dysplasia 3, Anhidrotic. Identifiers: Orphanet 1810, Orphanet 238468, MedGen C3888065, MONDO:0007509, OMIM 129490.
Autosomal recessive hypohidrotic ectodermal dysplasia syndrome. Also called: Autosomal recessive hypohidrotic ectodermal dysplasia. Identifiers: Orphanet 248, MedGen C0406702, MONDO:0016619.
Hypohidrotic ectodermal dysplasia (HED). Identifiers: Orphanet 238468, MedGen C5848103, MONDO:0016535, HP:0007607.
Inborn genetic diseases. Identifiers: MedGen C0950123, MeSH D030342.

Allele frequency attached by ClinVar (database versions not stated): gnomAD 0.00004 and 0.00009; TOPMed 0.00007; ESP Exome Variant Server 0.00008; gnomAD exomes 0.00010 and 0.00013; ExAC 0.00024.
gnomAD v4.1: 161 of 1,599,776 alleles (0.01%); highest among the groups gnomAD compares: Middle Eastern, 0.41%; 1 homozygote.

Submissions (4):

Labcorp Genetics (formerly Invitae), Labcorp
Classification: Likely benign for Ectodermal dysplasia 10A, hypohidrotic/hair/nail type, autosomal dominant; Autosomal recessive hypohidrotic ectodermal dysplasia syndrome. Last evaluated: 2024-03-07. Review status: criteria provided, single submitter. Criteria: Invitae Variant Classification Sherloc (09022015). Collection method: clinical testing. Allele origin: germline.

Ambry Genetics
Classification: Uncertain significance for Inborn genetic diseases. Last evaluated: 2023-12-21. Review status: criteria provided, single submitter. Criteria: Ambry Variant Classification Scheme 2023. Collection method: clinical testing. Allele origin: germline.

GeneDx
Classification: Uncertain significance. Last evaluated: 2021-10-26. Review status: criteria provided, single submitter. Criteria: GeneDx Variant Classification Process June 2021. Collection method: clinical testing. Allele origin: germline. Affected: yes.
Comment: Missense variants in this gene are often considered pathogenic (Stenson et al., 2014); In silico analysis supports that this missense variant does not alter protein structure/function; Has not been previously published as pathogenic or benign to our knowledge

Illumina Laboratory Services, Illumina
Classification: Likely benign for Hypohidrotic ectodermal dysplasia. Last evaluated: 2018-01-13. Review status: criteria provided, single submitter. Criteria: ICSL Variant Classification Criteria 13 December 2019. Collection method: clinical testing. Allele origin: germline.
Comment: This variant was observed in the ICSL laboratory as part of a predisposition screen in an ostensibly healthy population. It had not been previously curated by ICSL or reported in the Human Gene Mutation Database (HGMD: prior to June 1st, 2018), and was therefore a candidate for classification through an automated scoring system. Utilizing variant allele frequency, disease prevalence and penetrance estimates, and inheritance mode, an automated score was calculated to assess if this variant is too frequent to cause the disease. Based on the score and internal cut-off values, a variant classified as likely benign is not then subjected to further curation. The score for this variant resulted in a classification of likely benign for this disease.